The following is an entry in ClinVar:

ClinVar aggregate classification (germline): Uncertain significance (1 of 4 stars; one submission).

gnomAD v4.1: 11 of 1,492,176 alleles (0.00074%); highest among the groups gnomAD compares: Non-Finnish European, 0.00089%; no homozygotes.

Submission:

Labcorp Genetics (formerly Invitae), Labcorp
Classification: Uncertain significance. Last evaluated: 2024-05-19. Review status: criteria provided, single submitter. Criteria: Invitae Variant Classification Sherloc (09022015). Collection method: clinical testing. Allele origin: germline.
Comment: This sequence change replaces arginine, which is basic and polar, with tryptophan, which is neutral and slightly polar, at codon 766 of the SYNPO protein (p.Arg766Trp). The frequency data for this variant in the population databases is considered unreliable, as metrics indicate poor data quality at this position in the gnomAD database. This variant has not been reported in the literature in individuals affected with SYNPO-related conditions. An algorithm developed to predict the effect of missense changes on protein structure and function (PolyPhen-2) suggests that this variant is likely to be disruptive. In summary, the available evidence is currently insufficient to determine the role of this variant in disease. Therefore, it has been classified as a Variant of Uncertain Significance.

NM_007286.6(SYNPO):c.2296C>T (p.Arg766Trp)

Gene: SYNPO (synaptopodin; plus strand). Cytogenetic location: 5q33.1.
Variant type: single nucleotide variant.
Coding change: c.2296C>T on transcript NM_007286.6 (MANE Select); coding-DNA position 2296, C replaced by T.
Protein change: p.Arg766Trp; replaces arginine 766 with tryptophan.
Molecular consequence: missense variant.
Genome position (GRCh38, 1-based): chr5:150,656,671, C>T. VCF-style: chr5-150656671-C-T. GRCh37 (hg19) VCF-style: chr5-150036233-C-T.
Other names: short protein forms R766W.
Identifiers: ClinVar variation 3687092 (VCV003687092.2).